The following is an entry in ClinVar:

ClinVar aggregate classification (germline): Likely pathogenic (1 of 4 stars; one submission).

Conditions:
Dilated cardiomyopathy 1G (CMD1G). Identifiers: Orphanet 154, MedGen C1858763, MONDO:0011400, OMIM 604145.

Submission:

Juno Genomics, Hangzhou Juno Genomics, Inc
Classification: Likely pathogenic for Dilated cardiomyopathy 1G. Review status: criteria provided, single submitter. Criteria: ACMG Guidelines, 2015. Collection method: clinical testing. Allele origin: germline.
Comment: Absent from controls (or at extremely low frequency if recessive) in Genome Aggregation Database.;Null variant in a gene where loss of function (LOF) is a known mechanism of disease.

NM_001267550.2(TTN):c.72280del (p.Arg24094fs)

Genes: TTN (titin; minus strand), TTN-AS1 (TTN antisense RNA 1; plus strand). Cytogenetic location: 2q31.2.
Variant type: Deletion.
Coding change: c.72280del on transcript NM_001267550.2 (MANE Select); coding-DNA position 72280, one base deleted (A; older notation c.72280delA).
Protein change: p.Arg24094fs; shifts the reading frame from arginine 24094.
Molecular consequence: frameshift variant.
Genome position (GRCh38, 1-based): chr2:178,573,852, T deleted on the plus strand (A on the coding strand, the reverse complement: TTN is on the minus strand); the first of 2 consecutive T bases (chr2:178,573,852-178,573,853); deleting either gives the same sequence. VCF-style (leftmost placement, unchanged base first): chr2-178573851-CT-C. GRCh37 (hg19) VCF-style: chr2-179438578-CT-C.
Other names: c.67357del, p.Arg22453fs (NM_001256850.1); c.45085del, p.Arg15029fs (NM_003319.4); c.64576del, p.Arg21526fs (NM_133378.4); c.45460del, p.Arg15154fs (NM_133432.3); c.45661del, p.Arg15221fs (NM_133437.4); short protein forms R15029fs, R15154fs, R15221fs, R21526fs, R22453fs, R24094fs.
Identifiers: ClinVar variation 3764667 (VCV003764667.3).